The following is an entry in ClinVar:

ClinVar aggregate classification (germline): Uncertain significance. Review status: criteria provided, multiple submitters, no conflicts (2 of 4 stars). 2 submissions from 2 submitters: Uncertain significance (2). Last evaluated 2023-07-02.

Conditions:
Von Hippel-Lindau syndrome (VHLS). Also called: von Hippel–Lindau syndrome; VHL syndrome; Von Hippel-Lindau. Identifiers: Orphanet 892, MedGen C0019562, MONDO:0008667, OMIM 193300. Disease mechanism: loss of function.
Chuvash polycythemia. Also called: POLYCYTHEMIA, VHL-DEPENDENT. Identifiers: Orphanet 238557, MedGen C1837915, MONDO:0009892, OMIM 263400.

Submissions (2):

Labcorp Genetics (formerly Invitae), Labcorp
Classification: Uncertain significance for Von Hippel-Lindau syndrome; Chuvash polycythemia. Last evaluated: 2023-07-02. Review status: criteria provided, single submitter. Criteria: Invitae Variant Classification Sherloc (09022015). Collection method: clinical testing. Allele origin: germline.
Comment: In summary, the available evidence is currently insufficient to determine the role of this variant in disease. Therefore, it has been classified as a Variant of Uncertain Significance. Advanced modeling of protein sequence and biophysical properties (such as structural, functional, and spatial information, amino acid conservation, physicochemical variation, residue mobility, and thermodynamic stability) has been performed at Invitae for this missense variant, however the output from this modeling did not meet the statistical confidence thresholds required to predict the impact of this variant on VHL protein function. This variant has not been reported in the literature in individuals affected with VHL-related conditions. This variant is not present in population databases (gnomAD no frequency). This sequence change replaces arginine, which is basic and polar, with proline, which is neutral and non-polar, at codon 205 of the VHL protein (p.Arg205Pro).

All of Us Research Program, National Institutes of Health
Classification: Uncertain significance for Von Hippel-Lindau syndrome. Last evaluated: 2023-04-03. Review status: criteria provided, single submitter. Criteria: ACMG Guidelines, 2015. Collection method: clinical testing. Allele origin: germline. Inheritance: Autosomal dominant inheritance. Observed: 1 variant allele, 1 heterozygote.
Comment: This missense variant replaces arginine with proline at codon 205 of the VHL protein. Computational prediction is inconclusive regarding the impact of this variant on protein structure and function (internally defined REVEL score threshold 0.5 < inconclusive < 0.7, PMID: 27666373). To our knowledge, functional studies have not been reported for this variant. This variant has not been reported in individuals affected with hereditary cancer in the literature. This variant has not been identified in the general population by the Genome Aggregation Database (gnomAD). The available evidence is insufficient to determine the role of this variant in disease conclusively. Therefore, this variant is classified as a Variant of Uncertain Significance.

This study involves interpretation of variants in research participants for the purpose of population health screening. Participant phenotype was not available at the time of variant classification. Additional details can be found in publication PMID: 35346344, PMCID: PMC8962531

NM_000551.4(VHL):c.614G>C (p.Arg205Pro)

Genes: VHL (von Hippel-Lindau tumor suppressor; plus strand), LOC107303340 (3p25 von Hippel-Lindau tumor suppressor, E3 ubiquitin protein ligase Alu-mediated recombination region; plus strand). Cytogenetic location: 3p25.3.
Variant type: single nucleotide variant.
Coding change: c.614G>C on transcript NM_000551.4 (MANE Select); coding-DNA position 614, G replaced by C.
Protein change: p.Arg205Pro; replaces arginine 205 with proline.
Molecular consequence: missense variant. On other transcripts: 3 prime UTR variant (1), non-coding transcript variant (1).
Genome position (GRCh38, 1-based): chr3:10,149,937, G>C. VCF-style: chr3-10149937-G-C. GRCh37 (hg19) VCF-style: chr3-10191621-G-C.
Other names: c.*168G>C (NM_001354723.2); c.491G>C, p.Arg164Pro (NM_198156.3); short protein forms R205P, R164P.
Identifiers: ClinVar variation 2949507 (VCV002949507.4), dbSNP rs777130107, ClinGen allele CA351756659.